The following is an entry in ClinVar:

NM_005732.4(RAD50):c.3872dup (p.Asn1292fs)

Genes: RAD50 (RAD50 double strand break repair protein; plus strand), TH2LCRR (T helper type 2 locus control region associated RNA; minus strand). Cytogenetic location: 5q31.1.
Variant type: Duplication.
Coding change: c.3872dup on transcript NM_005732.4 (MANE Select); coding-DNA position 3872, one base duplicated (A; older notation c.3872dupA).
Protein change: p.Asn1292fs; shifts the reading frame from asparagine 1292.
Molecular consequence: frameshift variant.
Genome position (GRCh38, 1-based): chr5:132,642,297, A duplicated; the last of 5 consecutive A bases (chr5:132,642,293-132,642,297); duplicating any one gives the same sequence. VCF-style (leftmost placement, unchanged base first): chr5-132642292-T-TA. GRCh37 (hg19) VCF-style: chr5-131977984-T-TA.
Other names: c.3872dupA (NM_005732.3); short protein forms N1292fs.
Identifiers: ClinVar variation 646784 (VCV000646784.9), dbSNP rs1581025123, ClinGen allele CA915942566.

ClinVar aggregate classification (germline): Uncertain significance (1 of 4 stars; one submission).

Conditions:
Hereditary cancer-predisposing syndrome. Also called: Hereditary Cancer Syndrome; Tumor predisposition; Hereditary neoplastic syndrome; Neoplastic Syndromes, Hereditary. Identifiers: Orphanet 140162, MedGen C0027672, MeSH D009386, MONDO:0015356.

Submission:

Labcorp Genetics (formerly Invitae), Labcorp
Classification: Uncertain significance for Hereditary cancer-predisposing syndrome. Last evaluated: 2018-12-09. Review status: criteria provided, single submitter. Criteria: Invitae Variant Classification Sherloc (09022015). Collection method: clinical testing. Allele origin: germline.
Comment: This variant has not been reported in the literature in individuals with RAD50-related conditions. In summary, the available evidence is currently insufficient to determine the role of this variant in disease. Therefore, it has been classified as a Variant of Uncertain Significance. Experimental studies and prediction algorithms are not available for this variant, and the functional significance of the affected amino acid(s) is currently unknown. This variant is not present in population databases (ExAC no frequency). This sequence change results in a premature translational stop signal in the RAD50 gene (p.Asn1292Glufs*14). While this is not anticipated to result in nonsense mediated decay, it is expected to disrupt the last 21 amino acids of the RAD50 protein.